The following is an entry in ClinVar:

NM_000891.3(KCNJ2):c.79G>A (p.Ala27Thr)

Gene: KCNJ2 (potassium inwardly rectifying channel subfamily J member 2; plus strand). Cytogenetic location: 17q24.3.
Variant type: single nucleotide variant.
Coding change: c.79G>A on transcript NM_000891.3 (MANE Select); coding-DNA position 79, G replaced by A.
Protein change: p.Ala27Thr; replaces alanine 27 with threonine.
Molecular consequence: missense variant.
Genome position (GRCh38, 1-based): chr17:70,175,118, G>A. VCF-style: chr17-70175118-G-A. GRCh37 (hg19) VCF-style: chr17-68171259-G-A.
Other names: short protein forms A27T.
Identifiers: ClinVar variation 3757341 (VCV003757341.2).

ClinVar aggregate classification (germline): Uncertain significance (1 of 4 stars; one submission).

Conditions:
Andersen Tawil syndrome (LQT7). Also called: ANDERSEN CARDIODYSRHYTHMIC PERIODIC PARALYSIS; LONG QT SYNDROME 7; PERIODIC PARALYSIS, POTASSIUM-SENSITIVE CARDIODYSRHYTHMIC TYPE; Andersen Syndrome; Potassium-sensitive periodic paralysis, ventricular ectopy, and dysmorphic features. Identifiers: Orphanet 37553, MedGen C1563715, MONDO:0008222, OMIM 170390.
Short QT syndrome type 3. Identifiers: Orphanet 51083, MedGen C1865018, MONDO:0012314, OMIM 609622.

Submission:

Labcorp Genetics (formerly Invitae), Labcorp
Classification: Uncertain significance for Short QT syndrome type 3; Andersen Tawil syndrome. Last evaluated: 2024-12-12. Review status: criteria provided, single submitter. Criteria: Invitae Variant Classification Sherloc (09022015). Collection method: clinical testing. Allele origin: germline.
Comment: This sequence change replaces alanine, which is neutral and non-polar, with threonine, which is neutral and polar, at codon 27 of the KCNJ2 protein (p.Ala27Thr). This variant is not present in population databases (gnomAD no frequency). This variant has not been reported in the literature in individuals affected with KCNJ2-related conditions. Invitae Evidence Modeling of protein sequence and biophysical properties (such as structural, functional, and spatial information, amino acid conservation, physicochemical variation, residue mobility, and thermodynamic stability) indicates that this missense variant is not expected to disrupt KCNJ2 protein function with a negative predictive value of 95%. In summary, the available evidence is currently insufficient to determine the role of this variant in disease. Therefore, it has been classified as a Variant of Uncertain Significance.